The following is an entry in ClinVar:

ClinVar aggregate classification (germline): Uncertain significance (1 of 4 stars; one submission).

Submission:

GeneDx
Classification: Uncertain significance. Last evaluated: 2023-12-27. Review status: criteria provided, single submitter. Criteria: GeneDx Variant Classification Process June 2021. Collection method: clinical testing. Allele origin: germline. Affected: yes.
Comment: Not observed at significant frequency in large population cohorts (gnomAD); In silico analysis supports that this missense variant has a deleterious effect on protein structure/function; Has not been previously published as pathogenic or benign to our knowledge

NM_152296.5(ATP1A3):c.1224G>T (p.Trp408Cys)

Gene: ATP1A3 (ATPase Na+/K+ transporting subunit alpha 3; minus strand). Cytogenetic location: 19q13.2.
Variant type: single nucleotide variant.
Coding change: c.1224G>T on transcript NM_152296.5 (MANE Select); coding-DNA position 1224, G replaced by T.
Protein change: p.Trp408Cys; replaces tryptophan 408 with cysteine.
Molecular consequence: missense variant.
Genome position (GRCh38, 1-based): chr19:41,981,800, C>A on the plus strand (G>T on the coding strand, the complement: ATP1A3 is on the minus strand). VCF-style: chr19-41981800-C-A. GRCh37 (hg19) VCF-style: chr19-42485952-C-A.
Other names: c.1257G>T, p.Trp419Cys (NM_001256213.2); c.1263G>T, p.Trp421Cys (NM_001256214.2); short protein forms W408C, W419C, W421C.
Identifiers: ClinVar variation 3370048 (VCV003370048.1).
Genomic context (GRCh38, chr19:41,981,800, plus strand): 5'-GTCCTGACCACCCTTGAAGACAGCGCGATTGCAGAGCCCAGCGATGTGAGACAGGGCCAC[C>A]CAGGTGTGCGAACTCTTGTCAAATGAGGTCCCTGGGGGAGGCATGTGTGAGGGCCAGGGA-3'
Protein context (NP_689509.1, residues 398-418): GTSFDKSSHT[Trp408Cys]VALSHIAGLC